The following is an entry in ClinVar:

NM_004360.5(CDH1):c.1855C>A (p.Leu619Ile)

Gene: CDH1 (cadherin 1; plus strand). Cytogenetic location: 16q22.1.
Variant type: single nucleotide variant.
Coding change: c.1855C>A on transcript NM_004360.5 (MANE Select); coding-DNA position 1855, C replaced by A.
Protein change: p.Leu619Ile; replaces leucine 619 with isoleucine.
Molecular consequence: missense variant. On other transcripts: 5 prime UTR variant (1).
Genome position (GRCh38, 1-based): chr16:68,822,144, C>A. VCF-style: chr16-68822144-C-A. GRCh37 (hg19) VCF-style: chr16-68856047-C-A.
Other names: c.1855C>A (NM_004360.3); c.1672C>A, p.Leu558Ile (NM_001317184.2); c.307C>A, p.Leu103Ile (NM_001317185.2); c.-111C>A (NM_001317186.2); short protein forms L103I, L558I, L619I.
Identifiers: ClinVar variation 1060260 (VCV001060260.11), dbSNP rs876659221, ClinGen allele CA396467028.

ClinVar aggregate classification (germline): Conflicting classifications of pathogenicity. Review status: criteria provided, conflicting classifications (1 of 4 stars). 2 submissions from 2 submitters: Uncertain significance (1); Likely benign (1). Last evaluated 2026-06-22.

Conditions:
Hereditary cancer-predisposing syndrome. Also called: Tumor predisposition; Hereditary Cancer Syndrome; Hereditary neoplastic syndrome; Neoplastic Syndromes, Hereditary. Identifiers: Orphanet 140162, MedGen C0027672, MeSH D009386, MONDO:0015356.
Hereditary diffuse gastric adenocarcinoma (HDGC). Also called: DIFFUSE GASTRIC AND LOBULAR BREAST CANCER SYNDROME. Identifiers: Orphanet 26106, MedGen C1708349, MONDO:0007648, OMIM 137215.

Submissions (2):

Ambry Genetics
Classification: Likely benign for Hereditary cancer-predisposing syndrome. Last evaluated: 2026-06-22. Review status: criteria provided, single submitter. Criteria: Ambry Variant Classification Scheme 2023. Collection method: clinical testing. Allele origin: germline.

Labcorp Genetics (formerly Invitae), Labcorp
Classification: Uncertain significance for Hereditary diffuse gastric adenocarcinoma. Last evaluated: 2025-08-30. Review status: criteria provided, single submitter. Criteria: Invitae Variant Classification Sherloc (09022015). Collection method: clinical testing. Allele origin: germline.
Comment: This sequence change replaces leucine, which is neutral and non-polar, with isoleucine, which is neutral and non-polar, at codon 619 of the CDH1 protein (p.Leu619Ile). This variant is not present in population databases (gnomAD no frequency). This variant has not been reported in the literature in individuals affected with CDH1-related conditions. ClinVar contains an entry for this variant (Variation ID: 1060260). An algorithm developed to predict the effect of missense changes on protein structure and function (PolyPhen-2) suggests that this variant is likely to be tolerated. In summary, the available evidence is currently insufficient to determine the role of this variant in disease. Therefore, it has been classified as a Variant of Uncertain Significance.